The following is an entry in ClinVar:

ClinVar aggregate classification (germline): Uncertain significance (1 of 4 stars; one submission).

Conditions:
RYR1-related disorder. Also called: RYR1-related condition; RYR1-related disorders. Identifiers: MedGen CN239331.

Submission:

Labcorp Genetics (formerly Invitae), Labcorp
Classification: Uncertain significance for RYR1-related disorder. Last evaluated: 2025-11-12. Review status: criteria provided, single submitter. Criteria: Invitae Variant Classification Sherloc (09022015). Collection method: clinical testing. Allele origin: germline.
Comment: This sequence change replaces serine, which is neutral and polar, with leucine, which is neutral and non-polar, at codon 343 of the RYR1 protein (p.Ser343Leu). This variant is not present in population databases (gnomAD no frequency). This variant has not been reported in the literature in individuals affected with RYR1-related conditions. Invitae Evidence Modeling of protein sequence and biophysical properties (such as structural, functional, and spatial information, amino acid conservation, physicochemical variation, residue mobility, and thermodynamic stability) indicates that this missense variant is expected to disrupt RYR1 protein function with a positive predictive value of 95%. In summary, the available evidence is currently insufficient to determine the role of this variant in disease. Therefore, it has been classified as a Variant of Uncertain Significance.

NM_000540.3(RYR1):c.1028C>T (p.Ser343Leu)

Gene: RYR1 (ryanodine receptor 1; plus strand). Cytogenetic location: 19q13.2.
Variant type: single nucleotide variant.
Coding change: c.1028C>T on transcript NM_000540.3 (MANE Select); coding-DNA position 1028, C replaced by T.
Protein change: p.Ser343Leu; replaces serine 343 with leucine.
Molecular consequence: missense variant.
Genome position (GRCh38, 1-based): chr19:38,448,719, C>T. VCF-style: chr19-38448719-C-T. GRCh37 (hg19) VCF-style: chr19-38939359-C-T.
Other names: c.1028C>T, p.Ser343Leu (NM_001042723.2); short protein forms S343L.
Identifiers: ClinVar variation 4799571 (VCV004799571.1).